The following is an entry in ClinVar:

NM_000179.3(MSH6):c.896A>G (p.Lys299Arg)

Gene: MSH6 (mutS homolog 6; plus strand). Cytogenetic location: 2p16.3.
Variant type: single nucleotide variant.
Coding change: c.896A>G on transcript NM_000179.3 (MANE Select); coding-DNA position 896, A replaced by G.
Protein change: p.Lys299Arg; replaces lysine 299 with arginine.
Molecular consequence: missense variant. On other transcripts: 5 prime UTR variant (2).
Genome position (GRCh38, 1-based): chr2:47,798,879, A>G. VCF-style: chr2-47798879-A-G. GRCh37 (hg19) VCF-style: chr2-48026018-A-G.
Other names: c.599A>G, p.Lys200Arg (NM_001406822.1, NM_001406824.1, NM_001406825.1 and 10 more transcripts); c.-11A>G (NM_001406823.1, NM_001406829.1, NM_001281493.2 and 6 more transcripts); c.728A>G, p.Lys243Arg (NM_001406826.1); c.506A>G, p.Lys169Arg (NM_001281492.2); c.992A>G, p.Lys331Arg (NM_001406795.1, NM_001406802.1); c.896A>G, p.Lys299Arg (NM_001406796.1, NM_001406798.1, NM_001406800.1 and 4 more transcripts); c.371A>G, p.Lys124Arg (NM_001406799.1, NM_001406806.1, NM_001406807.1); c.818A>G, p.Lys273Arg (NM_001406804.1); and 1 more; short protein forms K169R, K273R, K301R, K200R, K124R, K331R, K243R, K299R.
Identifiers: ClinVar variation 1765273 (VCV001765273.8), dbSNP rs1669267784, ClinGen allele CA346740695.
Genomic context (GRCh38, chr2:47,798,879, plus strand): 5'-GCAGTGGAGTGGGGGATAGTGAGAGTGAAGGCCTGAACAGCCCTGTCAAAGTTGCTCGAA[A>G]GCGGAAGAGAATGGTGACTGGAAATGGCTCTCTTAAAAGGAAAAGCTCTAGGAAGGAAAC-3'
Protein context (NP_000170.1, residues 289-309): GLNSPVKVAR[Lys299Arg]RKRMVTGNGS

ClinVar aggregate classification (germline): Uncertain significance. Review status: criteria provided, multiple submitters, no conflicts (2 of 4 stars). 2 submissions from 2 submitters: Uncertain significance (2). Last evaluated 2024-08-19.

Conditions:
Hereditary nonpolyposis colorectal neoplasms. Identifiers: MedGen C0009405, MeSH D003123.
Hereditary cancer-predisposing syndrome. Also called: Neoplastic Syndromes, Hereditary; Tumor predisposition; Hereditary Cancer Syndrome; Hereditary neoplastic syndrome. Identifiers: Orphanet 140162, MedGen C0027672, MeSH D009386, MONDO:0015356.

Allele frequency attached by ClinVar (database versions not stated): gnomAD 0.00001; gnomAD exomes 0.00001.
gnomAD v4.1: 14 of 1,614,082 alleles (0.00087%); highest among the groups gnomAD compares: Non-Finnish European, 0.0012%; no homozygotes.

Submissions (2):

Ambry Genetics
Classification: Uncertain significance for Hereditary cancer-predisposing syndrome. Last evaluated: 2024-08-19. Review status: criteria provided, single submitter. Criteria: Ambry Variant Classification Scheme 2023. Collection method: clinical testing. Allele origin: germline.
Comment: The p.K299R variant (also known as c.896A>G), located in coding exon 4 of the MSH6 gene, results from an A to G substitution at nucleotide position 896. The lysine at codon 299 is replaced by arginine, an amino acid with highly similar properties. This amino acid position is highly conserved in available vertebrate species. In addition, the in silico prediction for this alteration is inconclusive. Based on the available evidence, the clinical significance of this variant remains unclear.

Labcorp Genetics (formerly Invitae), Labcorp
Classification: Uncertain significance for Hereditary nonpolyposis colorectal neoplasms. Last evaluated: 2022-01-06. Review status: criteria provided, single submitter. Criteria: Invitae Variant Classification Sherloc (09022015). Collection method: clinical testing. Allele origin: germline.
Comment: In summary, the available evidence is currently insufficient to determine the role of this variant in disease. Therefore, it has been classified as a Variant of Uncertain Significance. Advanced modeling of protein sequence and biophysical properties (such as structural, functional, and spatial information, amino acid conservation, physicochemical variation, residue mobility, and thermodynamic stability) performed at Invitae indicates that this missense variant is not expected to disrupt MSH6 protein function. This variant has not been reported in the literature in individuals affected with MSH6-related conditions. This variant is not present in population databases (gnomAD no frequency). This sequence change replaces lysine, which is basic and polar, with arginine, which is basic and polar, at codon 299 of the MSH6 protein (p.Lys299Arg).